The following is an entry in ClinVar:

ClinVar aggregate classification (germline): Uncertain significance. Review status: criteria provided, single submitter (1 of 4 stars). 2 submissions from 2 submitters: Uncertain significance (1). 1 of the submissions does not count toward it. Last evaluated 2022-04-08.

Conditions:
Carnitine palmitoyl transferase 1A deficiency. Also called: Carnitine palmitoyltransferase 1A deficiency; CPT I DEFICIENCY; CPT DEFICIENCY, HEPATIC, TYPE I; Carnitine palmitoyltransferase type I deficiency; CPT deficiency, hepatic, type IA. Identifiers: Orphanet 156, MedGen C1829703, MONDO:0009705, OMIM 255120.

Allele frequency attached by ClinVar (database versions not stated): gnomAD exomes 0.00002 and 0.00004; gnomAD 0.00003 and 0.00004; TOPMed 0.00004; ExAC 0.00005; 1000 Genomes Project 30x 0.00016; 1000 Genomes Project 0.00020.
gnomAD v4.1: 56 of 1,612,142 alleles (0.0035%); highest among the groups gnomAD compares: South Asian, 0.034%; no homozygotes.

Submissions (2):

Labcorp Genetics (formerly Invitae), Labcorp
Classification: Uncertain significance for Carnitine palmitoyl transferase 1A deficiency. Last evaluated: 2022-04-08. Review status: criteria provided, single submitter. Criteria: Invitae Variant Classification Sherloc (09022015). Collection method: clinical testing. Allele origin: germline.
Comment: This sequence change replaces arginine, which is basic and polar, with glutamine, which is neutral and polar, at codon 310 of the CPT1A protein (p.Arg310Gln). This variant is present in population databases (rs536671702, gnomAD 0.01%). This variant has not been reported in the literature in individuals affected with CPT1A-related conditions. ClinVar contains an entry for this variant (Variation ID: 1039644). Algorithms developed to predict the effect of missense changes on protein structure and function are either unavailable or do not agree on the potential impact of this missense change (SIFT: "Tolerated"; PolyPhen-2: "Probably Damaging"; Align-GVGD: "Class C0"). In summary, the available evidence is currently insufficient to determine the role of this variant in disease. Therefore, it has been classified as a Variant of Uncertain Significance.

Natera, Inc.
Classification: Uncertain significance for Carnitine palmitoyltransferase type I deficiency. Last evaluated: 2020-02-21. Review status: no assertion criteria provided. Collection method: clinical testing. Allele origin: germline. Not counted in ClinVar's aggregate classification.

NM_001876.4(CPT1A):c.929G>A (p.Arg310Gln)

Gene: CPT1A (carnitine palmitoyltransferase 1A; minus strand). Cytogenetic location: 11q13.3.
Variant type: single nucleotide variant.
Coding change: c.929G>A on transcript NM_001876.4 (MANE Select); coding-DNA position 929, G replaced by A.
Protein change: p.Arg310Gln; replaces arginine 310 with glutamine.
Molecular consequence: missense variant.
Genome position (GRCh38, 1-based): chr11:68,793,353, C>T on the plus strand (G>A on the coding strand, the complement: CPT1A is on the minus strand). VCF-style: chr11-68793353-C-T. GRCh37 (hg19) VCF-style: chr11-68560821-C-T.
Other names: c.929G>A, p.Arg310Gln (NM_001031847.3); short protein forms R310Q.
Identifiers: ClinVar variation 1039644 (VCV001039644.6), dbSNP rs536671702, ClinGen allele CA6152479.